The following is an entry in ClinVar:

NM_005068.3(SIM1):c.1623G>A (p.Ser541=)

Gene: SIM1 (SIM bHLH transcription factor 1; minus strand). Cytogenetic location: 6q16.3.
Variant type: single nucleotide variant.
Coding change: c.1623G>A on transcript NM_005068.3 (MANE Select); coding-DNA position 1623, G replaced by A.
Protein change: p.Ser541=; no amino-acid change (serine 541 retained).
Molecular consequence: synonymous variant.
Genome position (GRCh38, 1-based): chr6:100,391,039, C>T on the plus strand (G>A on the coding strand, the complement: SIM1 is on the minus strand). VCF-style: chr6-100391039-C-T. GRCh37 (hg19) VCF-style: chr6-100838915-C-T.
Other names: c.1623G>A, p.Ser541= (NM_001374769.1).
Identifiers: ClinVar variation 3043938 (VCV003043938.16), dbSNP rs760045551, ClinGen allele CA3936971.

ClinVar aggregate classification (germline): Likely benign. Review status: criteria provided, single submitter (1 of 4 stars). 2 submissions from 2 submitters: Likely benign (1). 1 of the submissions does not count toward it. Last evaluated 2024-10-01.

Conditions:
SIM1-related disorder. Also called: SIM1-related condition; SIM1-related disorders.

Allele frequency attached by ClinVar (database versions not stated): gnomAD 0.00002; TOPMed 0.00002; ExAC 0.00003; gnomAD exomes 0.00005.

Submissions (2):

CeGaT Center for Human Genetics Tuebingen
Classification: Likely benign. Last evaluated: 2024-10-01. Review status: criteria provided, single submitter. Criteria: CeGaT Center For Human Genetics Tuebingen Variant Classification Criteria Version 2. Collection method: clinical testing. Allele origin: germline. Affected: yes. Observed: 1 variant allele.
Comment: SIM1: BP4, BP7

PreventionGenetics, part of Exact Sciences
Classification: Likely benign for SIM1-related condition. Last evaluated: 2022-06-28. Review status: no assertion criteria provided. Collection method: clinical testing. Allele origin: germline. Not counted in ClinVar's aggregate classification.
Comment: This variant is classified as likely benign based on ACMG/AMP sequence variant interpretation guidelines (Richards et al. 2015 PMID: 25741868, with internal and published modifications).